The following is an entry in ClinVar:

ClinVar aggregate classification (germline): Likely pathogenic. Review status: criteria provided, multiple submitters, no conflicts (2 of 4 stars). 2 submissions from 2 submitters: Likely pathogenic (2). Last evaluated 2025-09-24.

Conditions:
Hereditary cancer-predisposing syndrome. Also called: Hereditary neoplastic syndrome; Neoplastic Syndromes, Hereditary; Tumor predisposition; Hereditary Cancer Syndrome. Identifiers: Orphanet 140162, MedGen C0027672, MeSH D009386, MONDO:0015356.

Submissions (2):

Ambry Genetics
Classification: Likely pathogenic for Hereditary cancer-predisposing syndrome. Last evaluated: 2025-09-24. Review status: criteria provided, single submitter. Criteria: Ambry Variant Classification Scheme 2023. Collection method: clinical testing. Allele origin: germline.
Comment: The p.Q1155R variant (also known as c.3464A>G), located in coding exon 6 of the MSH6 gene, results from an A to G substitution at nucleotide position 3464. The glutamine at codon 1155 is replaced by arginine, an amino acid with highly similar properties. This variant has been reported in individuals diagnosed with Lynch syndrome-associated tumors which exhibited loss of MSH6 on immunohistochemistry, with at least one family meeting Amsterdam criteria (Terui H et al. Oncol Rep, 2013 Dec;30:2909-16; Ambry internal data). This variant has also been identified as somatic in conjunction with a somatic pathogenic MSH6 variant in a tumor that demonstrated high microsatellite instability with loss of MSH6 expression by immunohistochemistry (Ambry internal data). Based on internal structural analysis, Q1155R is more destabilizing to the structure of MSH6 than several nearby pathogenic variants (Warren JJ et al. Mol Cell, 2007 May;26:579-92; Ambry internal data). This variant is considered to be rare based on population cohorts in the Genome Aggregation Database (gnomAD). This amino acid position is highly conserved in available vertebrate species. In addition, this alteration is predicted to be deleterious by in silico analysis. Based on the majority of available evidence to date, this variant is likely to be pathogenic.

GeneDx
Classification: Likely pathogenic. Last evaluated: 2022-08-15. Review status: criteria provided, single submitter. Criteria: GeneDx Variant Classification Process June 2021. Collection method: clinical testing. Allele origin: germline. Affected: yes.
Comment: In silico analysis, which includes protein predictors and evolutionary conservation, supports a deleterious effect; Not observed in large population cohorts (gnomAD); This variant is associated with the following publications: (PMID: 24100870, 21120944, 17531815)

Literature cited by the submitters: PubMed 17531815 (cited by Ambry Genetics); PubMed 24100870 (cited by Ambry Genetics).

NM_000179.3(MSH6):c.3464A>G (p.Gln1155Arg)

Gene: MSH6 (mutS homolog 6; plus strand). Cytogenetic location: 2p16.3.
Variant type: single nucleotide variant.
Coding change: c.3464A>G on transcript NM_000179.3 (MANE Select); coding-DNA position 3464, A replaced by G.
Protein change: p.Gln1155Arg; replaces glutamine 1155 with arginine.
Molecular consequence: missense variant.
Genome position (GRCh38, 1-based): chr2:47,804,935, A>G. VCF-style: chr2-47804935-A-G. GRCh37 (hg19) VCF-style: chr2-48032074-A-G.
Other names: c.3074A>G, p.Gln1025Arg (NM_001281492.2); c.2558A>G, p.Gln853Arg (NM_001281493.2, NM_001281494.2); short protein forms Q1025R, Q1155R, Q853R.
Identifiers: ClinVar variation 1318850 (VCV001318850.7), dbSNP rs1572738445, ClinGen allele CA346760056.
Genomic context (GRCh38, chr2:47,804,935, plus strand): 5'-CAGTCATAAAAGACCTTTTCCTCCCTCATTCACAGGCTGGCTTATTAGCTGTAATGGCCC[A>G]GATGGGTTGTTACGTCCCTGCTGAAGTGTGCAGGCTCACACCAATTGATAGAGTGTTTAC-3'
Protein context (NP_000170.1, residues 1145-1165): RQAGLLAVMA[Gln1155Arg]MGCYVPAEVC